The following is an entry in ClinVar:

NM_007294.4(BRCA1):c.5005del (p.Ala1669fs)

Gene: BRCA1 (BRCA1 DNA repair associated; minus strand). Cytogenetic location: 17q21.31.
Variant type: Deletion.
Coding change: c.5005del on transcript NM_007294.4 (MANE Select); coding-DNA position 5005, one base deleted (G; older notation c.5005delG).
Protein change: p.Ala1669fs; shifts the reading frame from alanine 1669.
Molecular consequence: frameshift variant. On other transcripts: non-coding transcript variant (1).
Genome position (GRCh38, 1-based): chr17:43,067,677, C deleted on the plus strand (G on the coding strand, the reverse complement: BRCA1 is on the minus strand). VCF-style (leftmost placement, unchanged base first): chr17-43067676-GC-G. GRCh37 (hg19) VCF-style: chr17-41219693-GC-G.
Other names: 5124delG; c.4921delG, p.Ala1641Profs (NM_001407662.1, NM_001407663.1, NM_001407659.1 and 2 more transcripts); c.4882delG, p.Ala1628Profs (NM_001407664.1, NM_001407665.1, NM_001407666.1 and 6 more transcripts); c.4879delG, p.Ala1627Profs (NM_001407670.1, NM_001407671.1, NM_001407672.1 and 11 more transcripts); c.4876delG, p.Ala1626Profs (NM_001407681.1, NM_001407682.1, NM_001407683.1 and 6 more transcripts); c.5005delG, p.Ala1669Profs (NM_001407684.1, NM_001407854.1, NM_001407593.1 and 8 more transcripts); c.4873delG, p.Ala1625Profs (NM_001407690.1, NM_001407691.1); c.4864delG, p.Ala1622Profs (NM_001407692.1, NM_001407694.1, NM_001407695.1 and 12 more transcripts); and 74 more; short protein forms A1622fs, A1669fs, A1690fs, A565fs.
Identifiers: ClinVar variation 55354 (VCV000055354.4), dbSNP rs80357938, ClinGen allele CA003151.

ClinVar aggregate classification (germline): Pathogenic. Review status: reviewed by expert panel (3 of 4 stars). 2 submissions from 2 submitters: Pathogenic (1). 1 of the submissions does not count toward it. Last evaluated 2016-09-08.

Conditions:
Breast-ovarian cancer, familial, susceptibility to, 1 (BROVCA1). Also called: BRCA1 Hereditary Breast and Ovarian Cancer; OVARIAN CANCER, SUSCEPTIBILITY TO. Identifiers: Orphanet 145, MedGen C2676676, MONDO:0011450, OMIM 604370. Disease mechanism: loss of function.

Submissions (2):

Evidence-based Network for the Interpretation of Germline Mutant Alleles (ENIGMA)
Classification: Pathogenic for Breast-ovarian cancer, familial, susceptibility to, 1. Last evaluated: 2016-09-08. Review status: reviewed by expert panel. Criteria: ENIGMA BRCA1/2 Classification Criteria (2015). Collection method: curation. Allele origin: germline.
Comment: Variant allele predicted to encode a truncated non-functional protein.

Breast Cancer Information Core (BIC) (BRCA1)
Classification: Pathogenic for Breast-ovarian cancer, familial 1. Last evaluated: 1998-01-14. Review status: no assertion criteria provided. Collection method: clinical testing. Allele origin: germline. Affected: yes. Observed: 1 variant allele. Not counted in ClinVar's aggregate classification.